The following is an entry in ClinVar:

NM_000038.6(APC):c.2124G>T (p.Lys708Asn)

Gene: APC (APC regulator of Wnt signaling pathway; plus strand). Cytogenetic location: 5q22.2.
Variant type: single nucleotide variant.
Coding change: c.2124G>T on transcript NM_000038.6 (MANE Select); coding-DNA position 2124, G replaced by T.
Protein change: p.Lys708Asn; replaces lysine 708 with asparagine.
Molecular consequence: missense variant.
Genome position (GRCh38, 1-based): chr5:112,837,718, G>T. VCF-style: chr5-112837718-G-T. GRCh37 (hg19) VCF-style: chr5-112173415-G-T.
Other names: c.2124G>T, p.Lys708Asn (NM_001127510.3, NM_001354895.2, NM_001407450.1); c.2070G>T, p.Lys690Asn (NM_001127511.3); c.2178G>T, p.Lys726Asn (NM_001354896.2, NM_001407447.1, NM_001407448.1 and 1 more transcripts); c.2154G>T, p.Lys718Asn (NM_001354897.2); c.2049G>T, p.Lys683Asn (NM_001354898.2); c.2040G>T, p.Lys680Asn (NM_001354899.2); c.2001G>T, p.Lys667Asn (NM_001354900.2); c.1947G>T, p.Lys649Asn (NM_001354901.2, NM_001407453.1); and 11 more; short protein forms K324N, K579N, K617N, K680N, K701N, K718N, K649N, K726N.
Identifiers: ClinVar variation 1786301 (VCV001786301.2), dbSNP rs1454608873, ClinGen allele CA16025974.
Genomic context (GRCh38, chr5:112,837,718, plus strand): 5'-AGCAAGAAATCCTAAAGACCAGGAAGCATTATGGGACATGGGGGCAGTTAGCATGCTCAA[G>T]AACCTCATTCATTCAAAGCACAAAATGATTGCTATGGGAAGTGCTGCAGCTTTAAGGAAT-3'
Protein context (NP_000029.2, residues 698-718): LWDMGAVSML[Lys708Asn]NLIHSKHKMI

ClinVar aggregate classification (germline): Uncertain significance (1 of 4 stars; one submission).

Conditions:
Hereditary cancer-predisposing syndrome. Also called: Neoplastic Syndromes, Hereditary; Tumor predisposition; Hereditary Cancer Syndrome; Hereditary neoplastic syndrome. Identifiers: Orphanet 140162, MedGen C0027672, MeSH D009386, MONDO:0015356.

Submission:

Ambry Genetics
Classification: Uncertain significance for Hereditary cancer-predisposing syndrome. Last evaluated: 2022-09-27. Review status: criteria provided, single submitter. Criteria: Ambry Variant Classification Scheme 2023. Collection method: clinical testing. Allele origin: germline.
Comment: The p.K708N variant (also known as c.2124G>T), located in coding exon 15 of the APC gene, results from a G to T substitution at nucleotide position 2124. The lysine at codon 708 is replaced by asparagine, an amino acid with similar properties. This amino acid position is conserved. In addition, in silico predictors for this gene do not accurately predict pathogenicity. Since supporting evidence is limited at this time, the clinical significance of this alteration remains unclear.